The following is an entry in ClinVar:

NM_032776.3(JMJD1C):c.5990A>G (p.Asp1997Gly)

Gene: JMJD1C (jumonji domain containing 1C; minus strand). Cytogenetic location: 10q21.3.
Variant type: single nucleotide variant.
Coding change: c.5990A>G on transcript NM_032776.3 (MANE Select); coding-DNA position 5990, A replaced by G.
Protein change: p.Asp1997Gly; replaces aspartic acid 1997 with glycine.
Molecular consequence: missense variant. On other transcripts: non-coding transcript variant (1).
Genome position (GRCh38, 1-based): chr10:63,193,024, T>C on the plus strand (A>G on the coding strand, the complement: JMJD1C is on the minus strand). VCF-style: chr10-63193024-T-C. GRCh37 (hg19) VCF-style: chr10-64952784-T-C.
Other names: c.5444A>G, p.Asp1815Gly (NM_001282948.2, NM_001318154.2); c.5126A>G, p.Asp1709Gly (NM_001318153.2); c.5876A>G, p.Asp1959Gly (NM_001322252.2); c.5333A>G, p.Asp1778Gly (NM_001322254.2, NM_001322258.2); c.5990A>G (NM_032776.1); short protein forms D1709G, D1778G, D1815G, D1959G, D1997G.
Identifiers: ClinVar variation 1021851 (VCV001021851.10), dbSNP rs570457493, ClinGen allele CA5517982.
Genomic context (GRCh38, chr10:63,193,024, plus strand): 5'-TCTGCAAGATCTGCTAACCAGTGCAGTGGTGACTGGGATTCTGGAGGAGTTAACTTGTTA[T>C]CTGTGCCTACATCACTCTCTGGGCTGCTGCCACCATTTTTCTCAGACTTCGGAGGAGTAT-3'
Protein context (NP_116165.1, residues 1987-2007): GSSPESDVGT[Asp1997Gly]NKLTPPESQS

ClinVar aggregate classification (germline): Uncertain significance. Review status: criteria provided, multiple submitters, no conflicts (2 of 4 stars). 2 submissions from 2 submitters: Uncertain significance (2). Last evaluated 2022-05-01.

Conditions:
Early Myoclonic Encephalopathy. Identifiers: MedGen C0270855.

Allele frequency attached by ClinVar (database versions not stated): gnomAD exomes 0.00007; 1000 Genomes Project 30x 0.00016; 1000 Genomes Project 0.00020; TOPMed 0.00003; ExAC 0.00006; gnomAD 0.00003.
gnomAD v4.1: 44 of 1,614,188 alleles (0.0027%); highest among the groups gnomAD compares: South Asian, 0.041%; 1 homozygote.

Submissions (2):

Ambry Genetics
Classification: Uncertain significance. Last evaluated: 2022-05-01. Review status: criteria provided, single submitter. Criteria: Ambry Variant Classification Scheme 2023. Collection method: clinical testing. Allele origin: germline.

Labcorp Genetics (formerly Invitae), Labcorp
Classification: Uncertain significance for Early Myoclonic Encephalopathy. Last evaluated: 2021-06-20. Review status: criteria provided, single submitter. Criteria: Invitae Variant Classification Sherloc (09022015). Collection method: clinical testing. Allele origin: germline.
Comment: This sequence change replaces aspartic acid with glycine at codon 1997 of the JMJD1C protein (p.Asp1997Gly). The aspartic acid residue is highly conserved and there is a moderate physicochemical difference between aspartic acid and glycine. In summary, the available evidence is currently insufficient to determine the role of this variant in disease. Therefore, it has been classified as a Variant of Uncertain Significance. Algorithms developed to predict the effect of sequence changes on RNA splicing suggest that this variant may create or strengthen a splice site, but this prediction has not been confirmed by published transcriptional studies. Algorithms developed to predict the effect of missense changes on protein structure and function are either unavailable or do not agree on the potential impact of this missense change (SIFT: "Deleterious"; PolyPhen-2: "Benign"; Align-GVGD: "Class C0"). This variant has not been reported in the literature in individuals with JMJD1C-related conditions. This variant is present in population databases (rs570457493, ExAC 0.04%).